The following is an entry in ClinVar:

ClinVar aggregate classification (germline): Uncertain significance (1 of 4 stars; one submission).

Allele frequency attached by ClinVar (database versions not stated): gnomAD 0.00001; gnomAD exomes 0.00001; TOPMed 0.00001.

Submission:

Labcorp Genetics (formerly Invitae), Labcorp
Classification: Uncertain significance. Last evaluated: 2021-05-06. Review status: criteria provided, single submitter. Criteria: Invitae Variant Classification Sherloc (09022015). Collection method: clinical testing. Allele origin: germline.
Comment: This sequence change replaces isoleucine with threonine at codon 487 of the PAX1 protein (p.Ile487Thr). The isoleucine residue is weakly conserved and there is a moderate physicochemical difference between isoleucine and threonine. This variant is not present in population databases (ExAC no frequency). This variant has not been reported in the literature in individuals with PAX1-related conditions. Algorithms developed to predict the effect of missense changes on protein structure and function output the following: SIFT: "Tolerated"; PolyPhen-2: "Benign"; Align-GVGD: "Class C0". The threonine amino acid residue is found in multiple mammalian species, suggesting that this missense change does not adversely affect protein function. These predictions have not been confirmed by published functional studies and their clinical significance is uncertain. In summary, the available evidence is currently insufficient to determine the role of this variant in disease. Therefore, it has been classified as a Variant of Uncertain Significance.

NM_001257096.2(PAX1):c.*96T>C

Gene: PAX1 (paired box 1; plus strand). Cytogenetic location: 20p11.22.
Variant type: single nucleotide variant.
Coding change: c.*96T>C on transcript NM_001257096.2 (MANE Select); 96 bases downstream of the stop codon, T replaced by C.
Molecular consequence: 3 prime UTR variant. On other transcripts: missense variant (1).
Genome position (GRCh38, 1-based): chr20:21,714,658, T>C. VCF-style: chr20-21714658-T-C. GRCh37 (hg19) VCF-style: chr20-21695296-T-C.
Other names: c.1460T>C, p.Ile487Thr (NM_006192.5); short protein forms I487T.
Identifiers: ClinVar variation 1351896 (VCV001351896.8), dbSNP rs1158972740, ClinGen allele CA408500156.
Genomic context (GRCh38, chr20:21,714,658, plus strand): 5'-GGCAGGCGGACCCGGGCGCACAGGTCTGCGCGGCGGCCCCGGCAATCGGCACGGGCAGGA[T>C]CGGAGGACTCGCGGAGGAGGAAGCCAGTGCCGGCCCGCGGGGTGCACGCCCAGCCAGCCC-3'